The following is an entry in ClinVar:

NM_022114.4(PRDM16):c.3667C>T (p.His1223Tyr)

Gene: PRDM16 (PR/SET domain 16; plus strand). Cytogenetic location: 1p36.32.
Variant type: single nucleotide variant.
Coding change: c.3667C>T on transcript NM_022114.4 (MANE Select); coding-DNA position 3667, C replaced by T.
Protein change: p.His1223Tyr; replaces histidine 1223 with tyrosine.
Molecular consequence: missense variant.
Genome position (GRCh38, 1-based): chr1:3,432,111, C>T. VCF-style: chr1-3432111-C-T. GRCh37 (hg19) VCF-style: chr1-3348675-C-T.
Other names: c.3667C>T, p.His1223Tyr (NM_199454.3); short protein forms H1223Y.
Identifiers: ClinVar variation 1387735 (VCV001387735.8), dbSNP rs1485523092, ClinGen allele CA338004843.

ClinVar aggregate classification (germline): Uncertain significance (1 of 4 stars; one submission).

Conditions:
Left ventricular noncompaction 8 (LVNC8). Identifiers: Orphanet 154, Orphanet 54260, MedGen C3809288, MONDO:0014152, OMIM 615373.

Allele frequency attached by ClinVar (database versions not stated): gnomAD 0.00001; gnomAD exomes 0.00001; TOPMed 0.00001.
gnomAD v4.1: 8 of 1,613,766 alleles (0.0005%); highest among the groups gnomAD compares: African/African-American, 0.0027%; no homozygotes.

Submission:

Labcorp Genetics (formerly Invitae), Labcorp
Classification: Uncertain significance for Left ventricular noncompaction 8. Last evaluated: 2024-11-18. Review status: criteria provided, single submitter. Criteria: Invitae Variant Classification Sherloc (09022015). Collection method: clinical testing. Allele origin: germline.
Comment: This sequence change replaces histidine, which is basic and polar, with tyrosine, which is neutral and polar, at codon 1223 of the PRDM16 protein (p.His1223Tyr). This variant is not present in population databases (gnomAD no frequency). This variant has not been reported in the literature in individuals affected with PRDM16-related conditions. ClinVar contains an entry for this variant (Variation ID: 1387735). An algorithm developed to predict the effect of missense changes on protein structure and function (PolyPhen-2) suggests that this variant is likely to be tolerated. In summary, the available evidence is currently insufficient to determine the role of this variant in disease. Therefore, it has been classified as a Variant of Uncertain Significance.